The following is an entry in ClinVar:

ClinVar aggregate classification (germline): Uncertain significance (1 of 4 stars; one submission).

Conditions:
Hereditary cancer-predisposing syndrome. Also called: Neoplastic Syndromes, Hereditary; Tumor predisposition; Hereditary neoplastic syndrome; Hereditary Cancer Syndrome. Identifiers: Orphanet 140162, MedGen C0027672, MeSH D009386, MONDO:0015356.

gnomAD v4.1: 1 of 1,614,016 alleles (0.000062%); highest among the groups gnomAD compares: Non-Finnish European, 0.000085%; no homozygotes.

Submission:

Ambry Genetics
Classification: Uncertain significance for Hereditary cancer-predisposing syndrome. Last evaluated: 2025-05-19. Review status: criteria provided, single submitter. Criteria: Ambry Variant Classification Scheme 2023. Collection method: clinical testing. Allele origin: germline.
Comment: The p.I659V variant (also known as c.1975A>G), located in coding exon 7 of the MET gene, results from an A to G substitution at nucleotide position 1975. The isoleucine at codon 659 is replaced by valine, an amino acid with highly similar properties. This amino acid position is conserved. In addition, this alteration is predicted to be tolerated by in silico analysis. Based on the available evidence, the clinical significance of this variant remains unclear.

NM_000245.4(MET):c.1975A>G (p.Ile659Val)

Gene: MET (MET proto-oncogene, receptor tyrosine kinase; plus strand). Cytogenetic location: 7q31.2.
Variant type: single nucleotide variant.
Coding change: c.1975A>G on transcript NM_000245.4 (MANE Select); coding-DNA position 1975, A replaced by G.
Protein change: p.Ile659Val; replaces isoleucine 659 with valine.
Molecular consequence: missense variant.
Genome position (GRCh38, 1-based): chr7:116,757,647, A>G. VCF-style: chr7-116757647-A-G. GRCh37 (hg19) VCF-style: chr7-116397701-A-G.
Other names: c.1975A>G, p.Ile659Val (NM_001127500.3, NM_001324401.3); c.685A>G, p.Ile229Val (NM_001324402.2); short protein forms I229V, I659V.
Identifiers: ClinVar variation 4053977 (VCV004053977.1).